The following is an entry in ClinVar:

ClinVar aggregate classification (germline): Uncertain significance (1 of 4 stars; one submission).

Conditions:
Duchenne muscular dystrophy (DMD). Also called: MUSCULAR DYSTROPHY, PSEUDOHYPERTROPHIC PROGRESSIVE, DUCHENNE TYPE; Duchenne Muscular Dystrophy (DMD). Identifiers: Orphanet 98896, MedGen C0013264, MONDO:0010679, OMIM 310200.

Submission:

Labcorp Genetics (formerly Invitae), Labcorp
Classification: Uncertain significance for Duchenne muscular dystrophy. Last evaluated: 2023-07-30. Review status: criteria provided, single submitter. Criteria: Invitae Variant Classification Sherloc (09022015). Collection method: clinical testing. Allele origin: germline.
Comment: This variant has not been reported in the literature in individuals affected with DMD-related conditions. This sequence change replaces lysine, which is basic and polar, with glutamic acid, which is acidic and polar, at codon 2917 of the DMD protein (p.Lys2917Glu). This variant is not present in population databases (gnomAD no frequency). Advanced modeling of protein sequence and biophysical properties (such as structural, functional, and spatial information, amino acid conservation, physicochemical variation, residue mobility, and thermodynamic stability) performed at Invitae indicates that this missense variant is not expected to disrupt DMD protein function. In summary, the available evidence is currently insufficient to determine the role of this variant in disease. Therefore, it has been classified as a Variant of Uncertain Significance.

NM_004006.3(DMD):c.8749A>G (p.Lys2917Glu)

Gene: DMD (dystrophin; minus strand). Cytogenetic location: Xp21.2.
Variant type: single nucleotide variant.
Coding change: c.8749A>G on transcript NM_004006.3 (MANE Select); coding-DNA position 8749, A replaced by G.
Protein change: p.Lys2917Glu; replaces lysine 2917 with glutamic acid.
Molecular consequence: missense variant.
Genome position (GRCh38, 1-based): chrX:31,478,294, T>C on the plus strand (A>G on the coding strand, the complement: DMD is on the minus strand). VCF-style: chrX-31478294-T-C. GRCh37 (hg19) VCF-style: chrX-31496411-T-C.
Other names: c.8725A>G, p.Lys2909Glu (NM_000109.4); c.8737A>G, p.Lys2913Glu (NM_004009.3); c.8380A>G, p.Lys2794Glu (NM_004010.3); c.4726A>G, p.Lys1576Glu (NM_004011.4); c.4717A>G, p.Lys1573Glu (NM_004012.4); c.1369A>G, p.Lys457Glu (NM_004013.3, NM_004020.4, NM_004021.3 and 2 more transcripts); c.562A>G, p.Lys188Glu (NM_004014.3); short protein forms K1573E, K2913E, K188E, K2909E, K2917E, K457E, K1576E, K2794E.
Identifiers: ClinVar variation 3016341 (VCV003016341.3), dbSNP rs2525299418, ClinGen allele CA412654242.